The following is an entry in ClinVar:

ClinVar aggregate classification (germline): Likely benign. Review status: criteria provided, multiple submitters, no conflicts (2 of 4 stars). 4 submissions from 4 submitters: Likely benign (4). Last evaluated 2024-03-14.

Conditions:
Cardiomyopathy (CMYO). Also called: Cardiomyopathies. Identifiers: Orphanet 167848, MedGen C0878544, MONDO:0004994, HP:0001638. Inheritance: Various modes of inheritance.
Atrial septal defect 5 (ASD5). Identifiers: Orphanet 1478, MedGen C2748552, MONDO:0013011, OMIM 612794.
Hypertrophic cardiomyopathy 11. Also called: ACTC1-Related Familial Hypertrophic Cardiomyopathy. Identifiers: MedGen C2677506, MONDO:0012799, OMIM 612098.
Dilated cardiomyopathy 1R (CMD1R). Identifiers: Orphanet 154, Orphanet 54260, MedGen C3150681, MONDO:0013261, OMIM 613424.
Hypertrophic cardiomyopathy. Also called: HYPERTROPHIC MYOCARDIOPATHY. Identifiers: Orphanet 217569, MedGen C0007194, MeSH D002312, MONDO:0005045, HP:0001639.

Submissions (4):

All of Us Research Program, National Institutes of Health
Classification: Likely benign for Hypertrophic cardiomyopathy. Last evaluated: 2024-03-14. Review status: criteria provided, single submitter. Criteria: ACMG Guidelines, 2015. Collection method: clinical testing. Allele origin: germline. Inheritance: Autosomal dominant inheritance. Observed: 1 variant allele, 1 heterozygote.
Comment: This study involves interpretation of variants in research participants for the purpose of population health screening. Participant phenotype was not available at the time of variant classification. Additional details can be found in publication PMID: 35346344, PMCID: PMC8962531

Labcorp Genetics (formerly Invitae), Labcorp
Classification: Likely benign for Dilated cardiomyopathy 1R; Hypertrophic cardiomyopathy 11; Atrial septal defect 5. Last evaluated: 2020-02-14. Review status: criteria provided, single submitter. Criteria: Invitae Variant Classification Sherloc (09022015). Collection method: clinical testing. Allele origin: germline.

Color Diagnostics, LLC DBA Color Health
Classification: Likely benign for Cardiomyopathy. Last evaluated: 2018-12-03. Review status: criteria provided, single submitter. Criteria: ACMG Guidelines, 2015. Collection method: clinical testing. Allele origin: germline.

Breakthrough Genomics
Classification: Likely benign. Review status: criteria provided, single submitter. Criteria: ACMG Guidelines, 2015. Collection method: not provided. Allele origin: germline. Inheritance: Autosomal dominant inheritance. Affected: yes.

NM_005159.5(ACTC1):c.809-8G>T

Genes: GJD2-DT (GJD2 divergent transcript; plus strand), ACTC1 (actin alpha cardiac muscle 1; minus strand). Cytogenetic location: 15q14.
Variant type: single nucleotide variant.
Coding change: c.809-8G>T on transcript NM_005159.5 (MANE Select); 8 bases into the intron before coding-DNA position 809, G replaced by T.
Molecular consequence: intron variant.
Genome position (GRCh38, 1-based): chr15:34,791,303, C>A on the plus strand (G>T on the coding strand, the complement: ACTC1 is on the minus strand). VCF-style: chr15-34791303-C-A. GRCh37 (hg19) VCF-style: chr15-35083504-C-A.
Identifiers: ClinVar variation 705445 (VCV000705445.12), dbSNP rs767180775, ClinGen allele CA913188640.
Genomic context (GRCh38, chr15:34,791,303, plus strand): 5'-ACACTTCATGATGCTATTGTAAGTTGTTTCATGGATGCCAGCAGATTCCATACCTGGGAA[C>A]GAGTCACACACACACACACACACACACACACACACACACACACACACACATCACAGTGCA-3'